The following is an entry in ClinVar:

NM_000899.5(KITLG):c.680T>C (p.Ile227Thr)

Gene: KITLG (KIT ligand; minus strand). Cytogenetic location: 12q21.32.
Variant type: single nucleotide variant.
Coding change: c.680T>C on transcript NM_000899.5 (MANE Select); coding-DNA position 680, T replaced by C.
Protein change: p.Ile227Thr; replaces isoleucine 227 with threonine.
Molecular consequence: missense variant.
Genome position (GRCh38, 1-based): chr12:88,507,062, A>G on the plus strand (T>C on the coding strand, the complement: KITLG is on the minus strand). VCF-style: chr12-88507062-A-G. GRCh37 (hg19) VCF-style: chr12-88900839-A-G.
Other names: c.596T>C, p.Ile199Thr (NM_003994.6); short protein forms I199T, I227T.
Identifiers: ClinVar variation 1325962 (VCV001325962.9), dbSNP rs1040258082, ClinGen allele CA241512324.

ClinVar aggregate classification (germline): Uncertain significance. Review status: criteria provided, multiple submitters, no conflicts (2 of 4 stars). 2 submissions from 2 submitters: Uncertain significance (2). Last evaluated 2024-09-14.

Allele frequency attached by ClinVar (database versions not stated): gnomAD exomes 0.00001.
gnomAD v4.1: 3 of 1,613,102 alleles (0.00019%); highest among the groups gnomAD compares: African/African-American, 0.0013%; no homozygotes.

Submissions (2):

Labcorp Genetics (formerly Invitae), Labcorp
Classification: Uncertain significance. Last evaluated: 2024-09-14. Review status: criteria provided, single submitter. Criteria: Invitae Variant Classification Sherloc (09022015). Collection method: clinical testing. Allele origin: germline.
Comment: This sequence change replaces isoleucine, which is neutral and non-polar, with threonine, which is neutral and polar, at codon 227 of the KITLG protein (p.Ile227Thr). This variant is not present in population databases (gnomAD no frequency). This variant has not been reported in the literature in individuals affected with KITLG-related conditions. ClinVar contains an entry for this variant (Variation ID: 1325962). Invitae Evidence Modeling of protein sequence and biophysical properties (such as structural, functional, and spatial information, amino acid conservation, physicochemical variation, residue mobility, and thermodynamic stability) indicates that this missense variant is not expected to disrupt KITLG protein function with a negative predictive value of 80%. In summary, the available evidence is currently insufficient to determine the role of this variant in disease. Therefore, it has been classified as a Variant of Uncertain Significance.

GeneDx
Classification: Uncertain significance. Last evaluated: 2021-05-21. Review status: criteria provided, single submitter. Criteria: GeneDx Variant Classification Process June 2021. Collection method: clinical testing. Allele origin: germline. Affected: yes.
Comment: Not observed in large population cohorts (Lek et al., 2016); In silico analysis supports that this missense variant does not alter protein structure/function; Has not been previously published as pathogenic or benign to our knowledge